The following is an entry in ClinVar:

ClinVar aggregate classification (germline): Benign. Review status: criteria provided, multiple submitters, no conflicts (2 of 4 stars). 7 submissions from 7 submitters: Benign (6). 1 of the submissions does not count toward it. Last evaluated 2026-02-01.

Conditions:
VPS13A-related neurodegenerative disease. Also called: Choreoacanthocytosis; Chorea-acanthocytosis; LEVINE-CRITCHLEY SYNDROME; Choreaacanthocytosis; ACANTHOCYTOSIS WITH NEUROLOGIC DISORDER; VPS13A Disease. Identifiers: Orphanet 2388, MedGen C0393576, MONDO:0008695, OMIM 200150.

Allele frequency attached by ClinVar (database versions not stated): gnomAD exomes 0.00766 and 0.01066; ExAC 0.01255; 1000 Genomes Project 0.02137; gnomAD 0.02173 and 0.02299; 1000 Genomes Project 30x 0.02264; TOPMed 0.02364; ESP Exome Variant Server 0.02422.
gnomAD v4.1: 14,663 of 1,613,236 alleles (0.91%); highest among the groups gnomAD compares: African/African-American, 6.2%; 181 homozygotes.

Submissions (7):

Labcorp Genetics (formerly Invitae), Labcorp
Classification: Benign. Last evaluated: 2026-02-01. Review status: criteria provided, single submitter. Criteria: Invitae Variant Classification Sherloc (09022015). Collection method: clinical testing. Allele origin: germline.

Athena Diagnostics
Classification: Benign. Last evaluated: 2024-12-31. Review status: criteria provided, single submitter. Criteria: Athena Diagnostics Criteria. Collection method: clinical testing. Allele origin: unknown.
Comment: The frequency of this variant in the general population is higher than would generally be expected for pathogenic variants in this gene.

Mayo Clinic Laboratories, Mayo Clinic
Classification: Benign. Last evaluated: 2023-02-13. Review status: criteria provided, single submitter. Criteria: ACMG Guidelines, 2015. Collection method: clinical testing. Allele origin: germline. Observed: 12 variant alleles.

GeneDx
Classification: Benign. Last evaluated: 2018-07-17. Review status: criteria provided, single submitter. Criteria: GeneDx Variant Classification Process June 2021. Collection method: clinical testing. Allele origin: germline. Affected: yes.

Illumina Laboratory Services, Illumina
Classification: Benign for VPS13A-related neurodegenerative disease. Last evaluated: 2018-01-13. Review status: criteria provided, single submitter. Criteria: ICSL Variant Classification Criteria 13 December 2019. Collection method: clinical testing. Allele origin: germline.
Comment: This variant was observed in the ICSL laboratory as part of a predisposition screen in an ostensibly healthy population. It had not been previously curated by ICSL or reported in the Human Gene Mutation Database (HGMD: prior to June 1st, 2018), and was therefore a candidate for classification through an automated scoring system. Utilizing variant allele frequency, disease prevalence and penetrance estimates, and inheritance mode, an automated score was calculated to assess if this variant is too frequent to cause the disease. Based on the score and internal cut-off values, a variant classified as benign is not then subjected to further curation. The score for this variant resulted in a classification of benign for this disease.

Breakthrough Genomics
Classification: Benign. Review status: criteria provided, single submitter. Criteria: ACMG Guidelines, 2015. Collection method: not provided. Allele origin: germline. Inheritance: Autosomal recessive inheritance. Affected: yes.

Natera, Inc.
Classification: Benign for Choreaacanthocytosis. Last evaluated: 2019-12-06. Review status: no assertion criteria provided. Collection method: clinical testing. Allele origin: germline. Not counted in ClinVar's aggregate classification.

NM_033305.3(VPS13A):c.2718A>G (p.Val906=)

Gene: VPS13A (vacuolar protein sorting 13 homolog A; plus strand). Cytogenetic location: 9q21.2.
Variant type: single nucleotide variant.
Coding change: c.2718A>G on transcript NM_033305.3 (MANE Select); coding-DNA position 2718, A replaced by G.
Protein change: p.Val906=; no amino-acid change (valine 906 retained).
Molecular consequence: synonymous variant.
Genome position (GRCh38, 1-based): chr9:77,276,115, A>G. VCF-style: chr9-77276115-A-G. GRCh37 (hg19) VCF-style: chr9-79891031-A-G.
Other names: p.Val906=; c.2718A>G, p.Val906= (NM_001018037.2, NM_001018038.3, NM_015186.4).
Identifiers: ClinVar variation 367369 (VCV000367369.22), dbSNP rs79287753, ClinGen allele CA5092029.